The following is an entry in ClinVar:

NM_020529.3(NFKBIA):c.863G>A (p.Ser288Asn)

Gene: NFKBIA (NFKB inhibitor alpha; minus strand). Cytogenetic location: 14q13.2.
Variant type: single nucleotide variant.
Coding change: c.863G>A on transcript NM_020529.3 (MANE Select); coding-DNA position 863, G replaced by A.
Protein change: p.Ser288Asn; replaces serine 288 with asparagine.
Molecular consequence: missense variant.
Genome position (GRCh38, 1-based): chr14:35,402,437, C>T on the plus strand (G>A on the coding strand, the complement: NFKBIA is on the minus strand). VCF-style: chr14-35402437-C-T. GRCh37 (hg19) VCF-style: chr14-35871643-C-T.
Other names: short protein forms S288N.
Identifiers: ClinVar variation 4766584 (VCV004766584.1).
Genomic context (GRCh38, chr14:35,402,437, plus strand): 5'-GGAGTTCACAGACTCACCTCGTCCTCTGTGAACTCCGTGAACTCTGACTCTGTGTCATAG[C>T]TCTCCTCATCCTCACTCTCTGGCAGCATCTGAAGGTTTTCTAGTGTCAGCTGGCCCAGCT-3'
Protein context (NP_065390.1, residues 278-298): QMLPESEDEE[Ser288Asn]YDTESEFTEF

ClinVar aggregate classification (germline): Uncertain significance (1 of 4 stars; one submission).

Conditions:
Ectodermal dysplasia and immunodeficiency 2. Identifiers: Orphanet 238468, Orphanet 98813, MedGen C2677481, MONDO:0012806, OMIM 612132.

gnomAD v4.1: 3 of 1,614,046 alleles (0.00019%); highest among the groups gnomAD compares: African/African-American, 0.0027%; no homozygotes.

Submission:

Labcorp Genetics (formerly Invitae), Labcorp
Classification: Uncertain significance for Ectodermal dysplasia and immunodeficiency 2. Last evaluated: 2025-03-18. Review status: criteria provided, single submitter. Criteria: Invitae Variant Classification Sherloc (09022015). Collection method: clinical testing. Allele origin: germline.
Comment: This sequence change replaces serine, which is neutral and polar, with asparagine, which is neutral and polar, at codon 288 of the NFKBIA protein (p.Ser288Asn). This variant is not present in population databases (gnomAD no frequency). This variant has not been reported in the literature in individuals affected with NFKBIA-related conditions. An algorithm developed to predict the effect of missense changes on protein structure and function (PolyPhen-2) suggests that this variant is likely to be tolerated. In summary, the available evidence is currently insufficient to determine the role of this variant in disease. Therefore, it has been classified as a Variant of Uncertain Significance.